The following is an entry in ClinVar:

NM_004859.4(CLTC):c.3239C>A (p.Ser1080Ter)

Gene: CLTC (clathrin heavy chain; plus strand). Cytogenetic location: 17q23.1.
Variant type: single nucleotide variant.
Coding change: c.3239C>A on transcript NM_004859.4 (MANE Select); coding-DNA position 3239, C replaced by A.
Protein change: p.Ser1080Ter; replaces serine 1080 with a stop codon.
Molecular consequence: nonsense.
Genome position (GRCh38, 1-based): chr17:59,681,468, C>A. VCF-style: chr17-59681468-C-A. GRCh37 (hg19) VCF-style: chr17-57758829-C-A.
Other names: c.3251C>A, p.Ser1084Ter (NM_001288653.2); short protein forms S1080*, S1084*.
Identifiers: ClinVar variation 1696463 (VCV001696463.1), dbSNP rs2143591718, ClinGen allele CA400417328.
Genomic context (GRCh38, chr17:59,681,468, plus strand): 5'-TCAGCAATGAGCTGTTTGAAGAAGCATTTGCCATTTTCCGGAAATTTGATGTCAATACTT[C>A]AGCAGTTCAGGTAAATCTTCAGATTACCTAAGTTGAATTACTAAACACTGTGCTATGAGG-3'

ClinVar aggregate classification (germline): Likely pathogenic (1 of 4 stars; one submission).

Conditions:
Intellectual developmental disorder, autosomal dominant 56. Also called: Intellectual disability, autosomal dominant 56; MENTAL RETARDATION, AUTOSOMAL DOMINANT 56. Identifiers: MedGen C4693389, MONDO:0030922, OMIM 617854.

Submission:

New York Genome Center
Classification: Likely pathogenic for Intellectual developmental disorder, autosomal dominant 56. Last evaluated: 2021-06-17. Review status: criteria provided, single submitter. Criteria: NYGC Assertion Criteria 2020. Collection method: clinical testing. Allele origin: germline. Observed: 1 heterozygote. Study: CSER-NYCKidSeq.
Comment: The c.3239C>A (p.Ser1080Ter) variant identified in the CLTC gene is a nonsense variant leading to the premature termination of the protein at amino acid 1080/1676 (exon 20/32). This variant is absent from gnomAD(v3.1.1) suggesting it is not a common benign variant in the populations represented in that database.This variant is absent from ClinVar and to our current knowledge has not been reported in affected individuals in the literature, although several nonsense, frameshift, and canonical splice variants downstream of the one identified here have been reported [PMID:31776469]. Given it's deleterious nature and absence in population databases, the c.3239C>A (p.Ser1080Ter) variant identified in the CLTC gene is reported as Likely Pathogenic.